The following is an entry in ClinVar:

NM_033026.6(PCLO):c.14779C>T (p.Arg4927Cys)

Gene: PCLO (piccolo presynaptic cytomatrix protein; minus strand). Cytogenetic location: 7q21.11.
Variant type: single nucleotide variant.
Coding change: c.14779C>T on transcript NM_033026.6 (MANE Select); coding-DNA position 14779, C replaced by T.
Protein change: p.Arg4927Cys; replaces arginine 4927 with cysteine.
Molecular consequence: missense variant.
Genome position (GRCh38, 1-based): chr7:82,822,507, G>A on the plus strand (C>T on the coding strand, the complement: PCLO is on the minus strand). VCF-style: chr7-82822507-G-A. GRCh37 (hg19) VCF-style: chr7-82451823-G-A.
Other names: c.14779C>T, p.Arg4927Cys (NM_014510.3); short protein forms R4927C.
Identifiers: ClinVar variation 1440021 (VCV001440021.3), dbSNP rs778257841, ClinGen allele CA4318724.

ClinVar aggregate classification (germline): Uncertain significance (1 of 4 stars; one submission).

Allele frequency attached by ClinVar (database versions not stated): ExAC 0.00001; gnomAD 0.00001; gnomAD exomes 0.00001; TOPMed 0.00001.
gnomAD v4.1: 9 of 1,613,698 alleles (0.00056%); highest among the groups gnomAD compares: African/African-American, 0.0027%; no homozygotes.

Submission:

Labcorp Genetics (formerly Invitae), Labcorp
Classification: Uncertain significance. Last evaluated: 2021-10-11. Review status: criteria provided, single submitter. Criteria: Invitae Variant Classification Sherloc (09022015). Collection method: clinical testing. Allele origin: germline.
Comment: This sequence change replaces arginine with cysteine at codon 4927 of the PCLO protein (p.Arg4927Cys). The arginine residue is moderately conserved and there is a large physicochemical difference between arginine and cysteine. This variant is present in population databases (rs778257841, ExAC 0.02%). This variant has not been reported in the literature in individuals affected with PCLO-related conditions. Algorithms developed to predict the effect of missense changes on protein structure and function are either unavailable or do not agree on the potential impact of this missense change (SIFT: "Tolerated"; PolyPhen-2: "Not Available"; Align-GVGD: "Class C0"). In summary, the available evidence is currently insufficient to determine the role of this variant in disease. Therefore, it has been classified as a Variant of Uncertain Significance.